The following is an entry in ClinVar:

ClinVar aggregate classification (germline): Uncertain significance. Review status: criteria provided, multiple submitters, no conflicts (2 of 4 stars). 3 submissions from 3 submitters: Uncertain significance (3). Last evaluated 2023-10-16.

Conditions:
Chédiak-Higashi syndrome (CHS). Also called: Chediak-Higashi Syndrome. Identifiers: Orphanet 167, MedGen C0007965, MONDO:0008963, OMIM 214500.

Allele frequency attached by ClinVar (database versions not stated): gnomAD 0.00005; TOPMed 0.00005; ExAC 0.00007; gnomAD exomes 0.00011; 1000 Genomes Project 30x 0.00016; 1000 Genomes Project 0.00020; ESP Exome Variant Server 0.00023.
gnomAD v4.1: 165 of 1,613,534 alleles (0.01%); highest among the groups gnomAD compares: Non-Finnish European, 0.014%; no homozygotes.

Submissions (3):

Mayo Clinic Laboratories, Mayo Clinic
Classification: Uncertain significance. Last evaluated: 2023-10-16. Review status: criteria provided, single submitter. Criteria: ACMG Guidelines, 2015. Collection method: clinical testing. Allele origin: germline. Observed: 1 variant allele.
Comment: BP4, PM2

Labcorp Genetics (formerly Invitae), Labcorp
Classification: Uncertain significance for Chédiak-Higashi syndrome. Last evaluated: 2022-07-26. Review status: criteria provided, single submitter. Criteria: Invitae Variant Classification Sherloc (09022015). Collection method: clinical testing. Allele origin: germline.
Comment: This sequence change replaces asparagine, which is neutral and polar, with aspartic acid, which is acidic and polar, at codon 3544 of the LYST protein (p.Asn3544Asp). This variant is present in population databases (rs141509909, gnomAD 0.01%). This variant has not been reported in the literature in individuals affected with LYST-related conditions. ClinVar contains an entry for this variant (Variation ID: 947179). Algorithms developed to predict the effect of missense changes on protein structure and function are either unavailable or do not agree on the potential impact of this missense change (SIFT: "Tolerated"; PolyPhen-2: "Probably Damaging"; Align-GVGD: "Class C0"). In summary, the available evidence is currently insufficient to determine the role of this variant in disease. Therefore, it has been classified as a Variant of Uncertain Significance.

Revvity Omics, Revvity
Classification: Uncertain significance for Chédiak-Higashi syndrome. Last evaluated: 2019-04-17. Review status: criteria provided, single submitter. Criteria: ACMG Guidelines, 2015. Collection method: clinical testing. Allele origin: germline.

NM_000081.4(LYST):c.10630A>G (p.Asn3544Asp)

Gene: LYST (lysosomal trafficking regulator; minus strand). Cytogenetic location: 1q42.3.
Variant type: single nucleotide variant.
Coding change: c.10630A>G on transcript NM_000081.4 (MANE Select); coding-DNA position 10630, A replaced by G.
Protein change: p.Asn3544Asp; replaces asparagine 3544 with aspartic acid.
Molecular consequence: missense variant.
Genome position (GRCh38, 1-based): chr1:235,693,421, T>C on the plus strand (A>G on the coding strand, the complement: LYST is on the minus strand). VCF-style: chr1-235693421-T-C. GRCh37 (hg19) VCF-style: chr1-235856721-T-C.
Other names: p.Asn3544Asp; c.10630A>G, p.Asn3544Asp (NM_001301365.1); short protein forms N3544D.
Identifiers: ClinVar variation 947179 (VCV000947179.7), dbSNP rs141509909, ClinGen allele CA1465319.